The following is an entry in ClinVar:

NM_000124.4(ERCC6):c.4244C>G (p.Ala1415Gly)

Gene: ERCC6 (ERCC excision repair 6, chromatin remodeling factor; minus strand). Cytogenetic location: 10q11.23.
Variant type: single nucleotide variant.
Coding change: c.4244C>G on transcript NM_000124.4 (MANE Select); coding-DNA position 4244, C replaced by G.
Protein change: p.Ala1415Gly; replaces alanine 1415 with glycine.
Molecular consequence: missense variant.
Genome position (GRCh38, 1-based): chr10:49,459,053, G>C on the plus strand (C>G on the coding strand, the complement: ERCC6 is on the minus strand). VCF-style: chr10-49459053-G-C. GRCh37 (hg19) VCF-style: chr10-50667099-G-C.
Other names: c.4244C>G, p.Ala1415Gly (NM_001346440.2); short protein forms A1415G.
Identifiers: ClinVar variation 1305805 (VCV001305805.2), dbSNP rs1850529668, ClinGen allele CA376703663.
Genomic context (GRCh38, chr10:49,459,053, plus strand): 5'-ATGAAGTTTCTCATCTCCACCAGAAGGTCATCGTGTTCTGTGGTGGGCAGCAGGGCAGAA[G>C]CTTCCTGCAGGTGCCCGCTTTCACTTTCTAAACGCTCTGGCAGAATCAGGTGGTTTCTAG-3'
Protein context (NP_000115.1, residues 1405-1425): LESESGHLQE[Ala1415Gly]SALLPTTEHD

ClinVar aggregate classification (germline): Uncertain significance (1 of 4 stars; one submission).

Allele frequency attached by ClinVar (database versions not stated): gnomAD exomes below 0.00001.
gnomAD v4.1: 2 of 1,614,200 alleles (0.00012%); highest among the groups gnomAD compares: Non-Finnish European, 0.00017%; no homozygotes.

Submission:

GeneDx
Classification: Uncertain significance. Last evaluated: 2019-05-15. Review status: criteria provided, single submitter. Criteria: GeneDx Variant Classification Process June 2021. Collection method: clinical testing. Allele origin: germline. Affected: yes.
Comment: Not observed in large population cohorts (Lek et al., 2016); In silico analysis, which includes protein predictors and evolutionary conservation, supports that this variant does not alter protein structure/function; Has not been previously published as pathogenic or benign to our knowledge